The following is an entry in ClinVar:

ClinVar aggregate classification (germline): Uncertain significance (1 of 4 stars; one submission).

Allele frequency attached by ClinVar (database versions not stated): gnomAD exomes below 0.00001; TOPMed below 0.00001.
gnomAD v4.1: 2 of 1,614,198 alleles (0.00012%); highest among the groups gnomAD compares: Non-Finnish European, 0.00017%; no homozygotes.

Submission:

Labcorp Genetics (formerly Invitae), Labcorp
Classification: Uncertain significance. Last evaluated: 2023-11-10. Review status: criteria provided, single submitter. Criteria: Invitae Variant Classification Sherloc (09022015). Collection method: clinical testing. Allele origin: germline.
Comment: This sequence change replaces threonine, which is neutral and polar, with isoleucine, which is neutral and non-polar, at codon 518 of the HYOU1 protein (p.Thr518Ile). This variant is not present in population databases (gnomAD no frequency). This variant has not been reported in the literature in individuals affected with HYOU1-related conditions. An algorithm developed to predict the effect of missense changes on protein structure and function (PolyPhen-2) suggests that this variant is likely to be tolerated. In summary, the available evidence is currently insufficient to determine the role of this variant in disease. Therefore, it has been classified as a Variant of Uncertain Significance.

NM_006389.5(HYOU1):c.1553C>T (p.Thr518Ile)

Gene: HYOU1 (hypoxia up-regulated 1; minus strand). Cytogenetic location: 11q23.3.
Variant type: single nucleotide variant.
Coding change: c.1553C>T on transcript NM_006389.5 (MANE Select); coding-DNA position 1553, C replaced by T.
Protein change: p.Thr518Ile; replaces threonine 518 with isoleucine.
Molecular consequence: missense variant.
Genome position (GRCh38, 1-based): chr11:119,051,147, G>A on the plus strand (C>T on the coding strand, the complement: HYOU1 is on the minus strand). VCF-style: chr11-119051147-G-A. GRCh37 (hg19) VCF-style: chr11-118921859-G-A.
Other names: c.1553C>T, p.Thr518Ile (NM_001130991.3, NM_001411041.1); short protein forms T518I.
Identifiers: ClinVar variation 2878083 (VCV002878083.3), dbSNP rs1944413368, ClinGen allele CA382936996.